The following is an entry in ClinVar:

ClinVar aggregate classification (germline): Pathogenic. Review status: criteria provided, single submitter (1 of 4 stars). 2 submissions from 2 submitters: Pathogenic (1). 1 of the submissions does not count toward it. Last evaluated 2022-04-14.

Conditions:
Neurodevelopmental disorder with seizures, microcephaly, and brain abnormalities (NEDSMBA). Identifiers: MedGen C5774209, MONDO:0859283, OMIM 620024.
Microcephaly. Also called: Microcephaly (disease). Identifiers: MedGen C4551563, MONDO:0001149, HP:0000252.
Severe intellectual disability. Identifiers: MedGen C0036857, HP:0010864.
Cerebral calcification. Also called: Cerebral calcifications. Identifiers: MedGen C0270685, HP:0002514.
Seizure. Also called: Seizures. Identifiers: MedGen C0036572, HP:0001250.

Allele frequency attached by ClinVar (database versions not stated): gnomAD exomes below 0.00001.
gnomAD v4.1: 1 of 1,604,178 alleles (0.000062%); highest among the groups gnomAD compares: Non-Finnish European, 0.000085%; no homozygotes.

Submissions (2):

Institute of Human Genetics, University of Leipzig Medical Center
Classification: Pathogenic for Severe intellectual disability; Seizure; Microcephaly; Cerebral calcification. Last evaluated: 2022-04-14. Review status: criteria provided, single submitter. Criteria: ACMG Guidelines, 2015. Collection method: research. Allele origin: germline. Affected: yes.
Comment: The variant was identified as homozygous. Criteria applied: PVS1, PM2_Supporting, PM3_Supporting

OMIM
Classification: Pathogenic for NEURODEVELOPMENTAL DISORDER WITH SEIZURES, MICROCEPHALY, AND BRAIN ABNORMALITIES. Last evaluated: 2022-08-31. Review status: no assertion criteria provided. Collection method: literature only. Allele origin: germline. Not counted in ClinVar's aggregate classification.

Literature cited by the submitters: DOI doi.org/10.1101/2022.04.04.22273309 (cited by Institute of Human Genetics, University of Leipzig Medical Center); PubMed 35830857 (cited by OMIM).

NM_003622.4(PPFIBP1):c.1468C>T (p.Gln490Ter)

Gene: PPFIBP1 (PPFIB scaffold protein 1; plus strand). Cytogenetic location: 12p11.22.
Variant type: single nucleotide variant.
Coding change: c.1468C>T on transcript NM_003622.4 (MANE Select); coding-DNA position 1468, C replaced by T.
Protein change: p.Gln490Ter; replaces glutamine 490 with a stop codon.
Molecular consequence: nonsense.
Genome position (GRCh38, 1-based): chr12:27,676,485, C>T. VCF-style: chr12-27676485-C-T. GRCh37 (hg19) VCF-style: chr12-27829418-C-T.
Other names: c.1060C>T, p.Gln354Ter (NM_001198915.2); c.1426C>T, p.Gln476Ter (NM_001198916.2); c.1519C>T, p.Gln507Ter (NM_177444.3); short protein forms Q354*, Q476*, Q490*, Q507*.
Identifiers: ClinVar variation 1679179 (VCV001679179.2), dbSNP rs2140279716, ClinGen allele CA384199261.